The following is an entry in ClinVar:

ClinVar aggregate classification (germline): Uncertain significance. Review status: reviewed by expert panel (3 of 4 stars). 2 submissions from 2 submitters: Uncertain significance (1). 1 of the submissions does not count toward it. Last evaluated 2024-09-30.

Conditions:
Hereditary thrombocytopenia and hematological cancer predisposition syndrome associated with RUNX1. Also called: Familial Platelet Disorder with Propensity to Acute Myelogenous Leukemia; Familial thrombocytopenia with propensity to acute myelogenous leukemia; PLATELET DISORDER, ASPIRIN-LIKE; RUNX1 Familial Platelet Disorder with Associated Myeloid Malignancies. Identifiers: Orphanet 71290, MedGen C1832388, MeSH C563324, MONDO:0100083, OMIM 601399.
Hereditary thrombocytopenia and hematologic cancer predisposition syndrome. Identifiers: Orphanet 71290, MedGen CN281654, MONDO:0011071.

Submissions (2):

ClinGen Myeloid Malignancy Variant Curation Expert Panel
Classification: Uncertain significance for Hereditary thrombocytopenia and hematologic cancer predisposition syndrome. Last evaluated: 2024-09-30. Review status: reviewed by expert panel. Criteria: ClinGen MyeloMalig ACMG Specifications v2. Collection method: curation. Allele origin: germline. Inheritance: Autosomal dominant inheritance.
Comment: NM_001754.5(RUNX1):c.301G>C (p.Val101Leu) is a missense variant within the Runt Homology domain (AA 89-204), but does not affect an established hotspot variant (PM1_supporting). This missense variant has a REVEL score ≥ 0.88 (0.921) (PP3). This variant is completely absent from all population databases with at least 20x coverage for RUNX1 (PM2_Supporting). In summary, the clinical significance of this variant is uncertain. ACMG/AMP criteria applied, as specified by the Myeloid Malignancy Variant Curation Expert Panel for RUNX1: PM1_supporting, PP3, PM2_supporting.

Labcorp Genetics (formerly Invitae), Labcorp
Classification: Uncertain significance for Hereditary thrombocytopenia and hematological cancer predisposition syndrome associated with RUNX1. Last evaluated: 2023-05-16. Review status: criteria provided, single submitter. Criteria: Invitae Variant Classification Sherloc (09022015). Collection method: clinical testing. Allele origin: germline. Not counted in ClinVar's aggregate classification.
Comment: This sequence change replaces valine, which is neutral and non-polar, with leucine, which is neutral and non-polar, at codon 101 of the RUNX1 protein (p.Val101Leu). This variant is not present in population databases (gnomAD no frequency). This variant has not been reported in the literature in individuals affected with RUNX1-related conditions. Advanced modeling of protein sequence and biophysical properties (such as structural, functional, and spatial information, amino acid conservation, physicochemical variation, residue mobility, and thermodynamic stability) has been performed at Invitae for this missense variant, however the output from this modeling did not meet the statistical confidence thresholds required to predict the impact of this variant on RUNX1 protein function. In summary, the available evidence is currently insufficient to determine the role of this variant in disease. Therefore, it has been classified as a Variant of Uncertain Significance.

NM_001754.5(RUNX1):c.301G>C (p.Val101Leu)

Gene: RUNX1 (RUNX family transcription factor 1; minus strand). Cytogenetic location: 21q22.12.
Variant type: single nucleotide variant.
Coding change: c.301G>C on transcript NM_001754.5 (MANE Select); coding-DNA position 301, G replaced by C.
Protein change: p.Val101Leu; replaces valine 101 with leucine.
Molecular consequence: missense variant.
Genome position (GRCh38, 1-based): chr21:34,886,893, C>G on the plus strand (G>C on the coding strand, the complement: RUNX1 is on the minus strand). VCF-style: chr21-34886893-C-G. GRCh37 (hg19) VCF-style: chr21-36259190-C-G.
Other names: NM_001754.5(RUNX1):c.301G>C; p.Val101Leu; c.220G>C, p.Val74Leu (NM_001001890.3, NM_001122607.2); short protein forms V101L, V74L.
Identifiers: ClinVar variation 2864169 (VCV002864169.4), dbSNP rs2146409049, ClinGen allele CA410203589.